The following is an entry in ClinVar:

ClinVar aggregate classification (germline): Uncertain significance (1 of 4 stars; one submission).

Submission:

Labcorp Genetics (formerly Invitae), Labcorp
Classification: Uncertain significance. Last evaluated: 2025-07-14. Review status: criteria provided, single submitter. Criteria: Invitae Variant Classification Sherloc (09022015). Collection method: clinical testing. Allele origin: germline.
Comment: This sequence change replaces serine, which is neutral and polar, with glycine, which is neutral and non-polar, at codon 211 of the TTC37 protein (p.Ser211Gly). This variant is not present in population databases (gnomAD no frequency). This variant has not been reported in the literature in individuals affected with TTC37-related conditions. ClinVar contains an entry for this variant (Variation ID: 3610919). An algorithm developed to predict the effect of missense changes on protein structure and function (PolyPhen-2) suggests that this variant is likely to be tolerated. In summary, the available evidence is currently insufficient to determine the role of this variant in disease. Therefore, it has been classified as a Variant of Uncertain Significance.

NM_014639.4(SKIC3):c.631A>G (p.Ser211Gly)

Gene: SKIC3 (SKI3 subunit of superkiller complex; minus strand). Cytogenetic location: 5q15.
Variant type: single nucleotide variant.
Coding change: c.631A>G on transcript NM_014639.4 (MANE Select); coding-DNA position 631, A replaced by G.
Protein change: p.Ser211Gly; replaces serine 211 with glycine.
Molecular consequence: missense variant.
Genome position (GRCh38, 1-based): chr5:95,537,054, T>C on the plus strand (A>G on the coding strand, the complement: SKIC3 is on the minus strand). VCF-style: chr5-95537054-T-C. GRCh37 (hg19) VCF-style: chr5-94872758-T-C.
Other names: short protein forms S211G.
Identifiers: ClinVar variation 3610919 (VCV003610919.2).